The following is an entry in ClinVar:

NM_004069.6(AP2S1):c.4-20T>A

Gene: AP2S1 (adaptor related protein complex 2 subunit sigma 1; minus strand). Cytogenetic location: 19q13.32.
Variant type: single nucleotide variant.
Coding change: c.4-20T>A on transcript NM_004069.6 (MANE Select); 20 bases into the intron before coding-DNA position 4, T replaced by A.
Molecular consequence: intron variant.
Genome position (GRCh38, 1-based): chr19:46,846,162, A>T on the plus strand (T>A on the coding strand, the complement: AP2S1 is on the minus strand). VCF-style: chr19-46846162-A-T. GRCh37 (hg19) VCF-style: chr19-47349419-A-T.
Other names: c.4-20T>A (NM_021575.5, NM_001301078.3); c.10-20T>A (NM_001301081.3); c.52-20T>A (NM_001301076.3).
Identifiers: ClinVar variation 2871033 (VCV002871033.3), dbSNP rs749113308, ClinGen allele CA9533018.
Genomic context (GRCh38, chr19:46,846,162, plus strand): 5'-CGCGTCTTGCCTGCCCGGTTCTGGATGAGGATAAAGCGGATCTGGGGGCAGCAGGAGGAG[A>T]AGGAGGAAGTGAGAGAGGCAGAGAGGGCGGGTTGGGTGCTGCCCAACGGCCCCACCCATC-3'

ClinVar aggregate classification (germline): Uncertain significance (1 of 4 stars; one submission).

gnomAD v4.1: 3 of 1,613,474 alleles (0.00019%); highest among the groups gnomAD compares: Non-Finnish European, 0.00025%; no homozygotes.

Submission:

Labcorp Genetics (formerly Invitae), Labcorp
Classification: Uncertain significance. Last evaluated: 2023-01-24. Review status: criteria provided, single submitter. Criteria: Invitae Variant Classification Sherloc (09022015). Collection method: clinical testing. Allele origin: germline.
Comment: This variant is present in population databases (rs749113308, gnomAD 0.0009%). This sequence change falls in intron 1 of the AP2S1 gene. It does not directly change the encoded amino acid sequence of the AP2S1 protein. This variant has not been reported in the literature in individuals affected with AP2S1-related conditions. Algorithms developed to predict the effect of sequence changes on RNA splicing suggest that this variant may create or strengthen a splice site. In summary, the available evidence is currently insufficient to determine the role of this variant in disease. Therefore, it has been classified as a Variant of Uncertain Significance.